The following is an entry in ClinVar:

NM_000143.4(FH):c.738+5A>G

Gene: FH (fumarate hydratase; minus strand). Cytogenetic location: 1q43.
Variant type: single nucleotide variant.
Coding change: c.738+5A>G on transcript NM_000143.4 (MANE Select); 5 bases into the intron after coding-DNA position 738, A replaced by G.
Molecular consequence: intron variant.
Genome position (GRCh38, 1-based): chr1:241,508,598, T>C on the plus strand (A>G on the coding strand, the complement: FH is on the minus strand). VCF-style: chr1-241508598-T-C. GRCh37 (hg19) VCF-style: chr1-241671898-T-C.
Identifiers: ClinVar variation 1472789 (VCV001472789.7), dbSNP rs1258289679, ClinGen allele CA733640070.

ClinVar aggregate classification (germline): Conflicting classifications of pathogenicity. Review status: criteria provided, conflicting classifications (1 of 4 stars). 2 submissions from 2 submitters: Uncertain significance (1); Likely benign (1). Last evaluated 2024-10-18.

Conditions:
Hereditary leiomyomatosis and renal cell cancer. Also called: FH tumor predisposition syndrome; LEIOMYOMA, MULTIPLE CUTANEOUS; MULTIPLE CUTANEOUS AND UTERINE LEIOMYOMATA 1, WITH OR WITHOUT RENAL CELL CARCINOMA; Multiple cutaneous leiomyomas; Familial leiomyomatosis; Reed syndrome. Identifiers: Orphanet 523, MedGen C1708350, MONDO:0007888, OMIM 150800, HP:0007437. Disease mechanism: loss of function.

Allele frequency attached by ClinVar (database versions not stated): gnomAD exomes below 0.00001; TOPMed 0.00003.
gnomAD v4.1: 2 of 1,611,024 alleles (0.00012%); highest among the groups gnomAD compares: Non-Finnish European, 0.00017%; no homozygotes.

Submissions (2):

Myriad Genetics, Inc.
Classification: Likely benign for Hereditary leiomyomatosis and renal cell cancer. Last evaluated: 2024-10-18. Review status: criteria provided, single submitter. Criteria: Myriad Autosomal Dominant, Autosomal Recessive and X-Linked Classification Criteria (2023). Collection method: clinical testing. Allele origin: unknown.
Comment: This variant is considered likely benign. This variant is intronic and is not expected to impact mRNA splicing.

Labcorp Genetics (formerly Invitae), Labcorp
Classification: Uncertain significance. Last evaluated: 2021-02-20. Review status: criteria provided, single submitter. Criteria: Invitae Variant Classification Sherloc (09022015). Collection method: clinical testing. Allele origin: germline.
Comment: Nucleotide substitutions within the consensus splice site are a relatively common cause of aberrant splicing (PMID: 17576681, 9536098). Algorithms developed to predict the effect of sequence changes on RNA splicing suggest that this variant may create or strengthen a splice site, but this prediction has not been confirmed by published transcriptional studies. In summary, the available evidence is currently insufficient to determine the role of this variant in disease. Therefore, it has been classified as a Variant of Uncertain Significance. This variant has not been reported in the literature in individuals with FH-related conditions. This variant is not present in population databases (ExAC no frequency). This sequence change falls in intron 5 of the FH gene. It does not directly change the encoded amino acid sequence of the FH protein. It affects a nucleotide within the consensus splice site of the intron.

Literature cited by the submitters: PubMed 17576681 (cited by Labcorp Genetics (formerly Invitae), Labcorp); PubMed 9536098 (cited by Labcorp Genetics (formerly Invitae), Labcorp).